The following is an entry in ClinVar:

NM_000781.3(CYP11A1):c.202dup (p.Glu68fs)

Gene: CYP11A1 (cytochrome P450 family 11 subfamily A member 1; minus strand). Cytogenetic location: 15q24.1.
Variant type: Duplication.
Coding change: c.202dup on transcript NM_000781.3 (MANE Select); coding-DNA position 202, one base duplicated (G; older notation c.202dupG).
Protein change: p.Glu68fs; shifts the reading frame from glutamic acid 68.
Molecular consequence: frameshift variant.
Genome position (GRCh38, 1-based): chr15:74,367,384, C duplicated on the plus strand (G on the coding strand, the reverse complement: CYP11A1 is on the minus strand); the first of 3 consecutive C bases (chr15:74,367,384-74,367,386); duplicating any one gives the same sequence. VCF-style (leftmost placement, unchanged base first): chr15-74367383-T-TC. GRCh37 (hg19) VCF-style: chr15-74659724-T-TC.
Other names: short protein forms E68fs.
Identifiers: ClinVar variation 2799201 (VCV002799201.4), dbSNP rs1306288607, ClinGen allele CA715608952.
Genomic context (GRCh38, chr15:74,367,383, plus strand): 5'-ATCGGGCCATACTTCTGGAAATTCTGGACATGGTGAAGGTGGACTTTGTGTGTGCCCGTC[T>TC]CCCTCCAGAAATGGTACAGGTTTAGCCAGCCATTGTCACCAGGAGAGGGGATCTCATTGA-3'

ClinVar aggregate classification (germline): Pathogenic/Likely pathogenic. Review status: criteria provided, multiple submitters, no conflicts (2 of 4 stars). 3 submissions from 3 submitters: Pathogenic (2); Likely pathogenic (1). Last evaluated 2025-04-24.

Conditions:
Congenital adrenal insufficiency with 46, XY sex reversal OR 46,XY disorder of sex development-adrenal insufficiency due to CYP11A1 deficiency. Also called: Congenital adrenal insuffiency with 46, XY sex reversal OR 46,XY disorder of sex development-adrenal insufficiency due to CYP11A1 deficiency; P450scc DEFICIENCY. Identifiers: Orphanet 168558, MedGen C3151055, MONDO:0013400, OMIM 613743.

Submissions (3):

Myriad Genetics, Inc.
Classification: Pathogenic for Congenital adrenal insufficiency with 46, XY sex reversal OR 46,XY disorder of sex development-adrenal insufficiency due to CYP11A1 deficiency. Last evaluated: 2025-04-24. Review status: criteria provided, single submitter. Criteria: Myriad Autosomal Dominant, Autosomal Recessive and X-Linked Classification Criteria (2023). Collection method: clinical testing. Allele origin: unknown.
Comment: NM_000781.2(CYP11A1):c.202dupG(E68Gfs*38) is expected to be pathogenic in the context of congenital adrenal hyperplasia, CYP11A1-related. This variant is predicted to lead to an abnormal or absent protein product due to the creation of a premature termination codon in CYP11A1, a gene where loss-of-function variants are known to be pathogenic. Please note: this variant was assessed in the context of healthy population screening.

Fulgent Genetics
Classification: Likely pathogenic for Congenital adrenal insufficiency with 46, XY sex reversal OR 46,XY disorder of sex development-adrenal insufficiency due to CYP11A1 deficiency. Last evaluated: 2024-06-19. Review status: criteria provided, single submitter. Criteria: ACMG Guidelines, 2015. Collection method: clinical testing. Allele origin: germline.

Labcorp Genetics (formerly Invitae), Labcorp
Classification: Pathogenic. Last evaluated: 2023-04-09. Review status: criteria provided, single submitter. Criteria: Invitae Variant Classification Sherloc (09022015). Collection method: clinical testing. Allele origin: germline.
Comment: For these reasons, this variant has been classified as Pathogenic. This variant has not been reported in the literature in individuals affected with CYP11A1-related conditions. This variant is not present in population databases (gnomAD no frequency). This sequence change creates a premature translational stop signal (p.Glu68Glyfs*38) in the CYP11A1 gene. It is expected to result in an absent or disrupted protein product. Loss-of-function variants in CYP11A1 are known to be pathogenic (PMID: 15507506, 22435390, 27855232, 229968487).

Literature cited by the submitters: PubMed 15507506 (cited by Labcorp Genetics (formerly Invitae), Labcorp); PubMed 22435390 (cited by Labcorp Genetics (formerly Invitae), Labcorp); PubMed 27855232 (cited by Labcorp Genetics (formerly Invitae), Labcorp); PubMed 229968487 (cited by Labcorp Genetics (formerly Invitae), Labcorp).